The following is an entry in ClinVar:

Conditions:
Long QT syndrome 5 (LQT5). Identifiers: Orphanet 101016, Orphanet 768, MedGen C1867904, MONDO:0013372, OMIM 613695.

Submission:

Roden Lab, Vanderbilt University Medical Center
No classification provided (evidence only). Condition: Long QT syndrome 5. Review status: no classification provided. Collection method: in vitro. Allele origin: not applicable. Functional consequence: Effect on ion channel function.
ClinVar note: "not provided" was previously submitted as the classification for the variant. However, the classification appeared to be based only on an observation of functional data so it was converted to no classification on 2025-07-30.

NM_000219.6(KCNE1):c.256G>T (p.Ala86Ser)

Gene: KCNE1 (potassium voltage-gated channel subfamily E regulatory subunit 1; minus strand). Cytogenetic location: 21q22.12.
Variant type: single nucleotide variant.
Coding change: c.256G>T on transcript NM_000219.6 (MANE Select); coding-DNA position 256, G replaced by T.
Protein change: p.Ala86Ser; replaces alanine 86 with serine.
Molecular consequence: missense variant.
Genome position (GRCh38, 1-based): chr21:34,449,379, C>A on the plus strand (G>T on the coding strand, the complement: KCNE1 is on the minus strand). VCF-style: chr21-34449379-C-A. GRCh37 (hg19) VCF-style: chr21-35821677-C-A.
Other names: c.256G>T, p.Ala86Ser (NM_001127668.4, NM_001127669.4, NM_001127670.4 and 4 more transcripts); short protein forms A86S.
Identifiers: ClinVar variation 3374455 (VCV003374455.2).